The following is an entry in ClinVar:

ClinVar aggregate classification (germline): Likely pathogenic (1 of 4 stars; one submission).

Allele frequency attached by ClinVar (database versions not stated): gnomAD 0.00001; TOPMed 0.00001; ExAC 0.00004; gnomAD exomes 0.00004.
gnomAD v4.1: 61 of 1,614,058 alleles (0.0038%); highest among the groups gnomAD compares: Non-Finnish European, 0.0048%; no homozygotes.

Submission:

Labcorp Genetics (formerly Invitae), Labcorp
Classification: Likely pathogenic. Last evaluated: 2025-10-21. Review status: criteria provided, single submitter. Criteria: Invitae Variant Classification Sherloc (09022015). Collection method: clinical testing. Allele origin: germline.
Comment: This sequence change affects an acceptor splice site in intron 2 of the SPINT2 gene. It is expected to disrupt RNA splicing. Variants that disrupt the donor or acceptor splice site typically lead to a loss of protein function (PMID: 16199547), and loss-of-function variants in SPINT2 are known to be pathogenic (PMID: 19185281, 24142340). This variant is present in population databases (rs201543656, gnomAD 0.006%). This variant has not been reported in the literature in individuals affected with SPINT2-related conditions. ClinVar contains an entry for this variant (Variation ID: 1936006). Algorithms developed to predict the effect of sequence changes on RNA splicing suggest that this variant may disrupt the consensus splice site. In summary, the currently available evidence indicates that the variant is pathogenic, but additional data are needed to prove that conclusively. Therefore, this variant has been classified as Likely Pathogenic.

Literature cited by the submitters: PubMed 16199547; PubMed 19185281; PubMed 24142340.

NM_021102.4(SPINT2):c.278-2A>G

Gene: SPINT2 (serine peptidase inhibitor, Kunitz type 2; plus strand). Cytogenetic location: 19q13.2.
Variant type: single nucleotide variant.
Coding change: c.278-2A>G on transcript NM_021102.4 (MANE Select); the canonical splice acceptor site of the intron before coding-DNA position 278, A replaced by G.
Molecular consequence: splice acceptor variant.
Genome position (GRCh38, 1-based): chr19:38,287,874, A>G. VCF-style: chr19-38287874-A-G. GRCh37 (hg19) VCF-style: chr19-38778514-A-G.
Other names: c.107-2A>G (NM_001166103.2).
Identifiers: ClinVar variation 1936006 (VCV001936006.5), dbSNP rs201543656, ClinGen allele CA9411409.